The following is an entry in ClinVar:

ClinVar aggregate classification (germline): Uncertain significance (1 of 4 stars; one submission).

Conditions:
Distal myopathy with posterior leg and anterior hand involvement. Also called: WILLIAMS DISTAL MYOPATHY. Identifiers: Orphanet 63273, MedGen C3279722, MONDO:0013550, OMIM 614065.
Myofibrillar myopathy 5. Also called: Filaminopathy (type); FILAMINOPATHY, AUTOSOMAL DOMINANT. Identifiers: Orphanet 171445, MedGen C1836050, MONDO:0012289, OMIM 609524.
Hypertrophic cardiomyopathy 26. Also called: Cardiomyopathy, familial hypertrophic, 26. Identifiers: Orphanet 75249, MedGen C4310749, MONDO:0014883, OMIM 617047.

Allele frequency attached by ClinVar (database versions not stated): gnomAD exomes below 0.00001.
gnomAD v4.1: 4 of 1,614,110 alleles (0.00025%); highest among the groups gnomAD compares: Non-Finnish European, 0.00034%; no homozygotes.

Submission:

Labcorp Genetics (formerly Invitae), Labcorp
Classification: Uncertain significance for Distal myopathy with posterior leg and anterior hand involvement; Myofibrillar myopathy 5; Hypertrophic cardiomyopathy 26. Last evaluated: 2022-11-20. Review status: criteria provided, single submitter. Criteria: Invitae Variant Classification Sherloc (09022015). Collection method: clinical testing. Allele origin: germline.
Comment: Advanced modeling of protein sequence and biophysical properties (such as structural, functional, and spatial information, amino acid conservation, physicochemical variation, residue mobility, and thermodynamic stability) has been performed at Invitae for this missense variant, however the output from this modeling did not meet the statistical confidence thresholds required to predict the impact of this variant on FLNC protein function. In summary, the available evidence is currently insufficient to determine the role of this variant in disease. Therefore, it has been classified as a Variant of Uncertain Significance. ClinVar contains an entry for this variant (Variation ID: 581700). This variant has not been reported in the literature in individuals affected with FLNC-related conditions. This variant is not present in population databases (gnomAD no frequency). This sequence change replaces alanine, which is neutral and non-polar, with threonine, which is neutral and polar, at codon 504 of the FLNC protein (p.Ala504Thr).

NM_001458.5(FLNC):c.1510G>A (p.Ala504Thr)

Gene: FLNC (filamin C; plus strand). Cytogenetic location: 7q32.1.
Variant type: single nucleotide variant.
Coding change: c.1510G>A on transcript NM_001458.5 (MANE Select); coding-DNA position 1510, G replaced by A.
Protein change: p.Ala504Thr; replaces alanine 504 with threonine.
Molecular consequence: missense variant.
Genome position (GRCh38, 1-based): chr7:128,840,121, G>A. VCF-style: chr7-128840121-G-A. GRCh37 (hg19) VCF-style: chr7-128480175-G-A.
Other names: c.1510G>A, p.Ala504Thr (NM_001127487.2); short protein forms A504T.
Identifiers: ClinVar variation 581700 (VCV000581700.9), dbSNP rs1562993551, ClinGen allele CA369225770.